The following is an entry in ClinVar:

NM_004565.3(PEX14):c.700T>G (p.Ser234Ala)

Gene: PEX14 (peroxisomal biogenesis factor 14; plus strand). Cytogenetic location: 1p36.22.
Variant type: single nucleotide variant.
Coding change: c.700T>G on transcript NM_004565.3 (MANE Select); coding-DNA position 700, T replaced by G.
Protein change: p.Ser234Ala; replaces serine 234 with alanine.
Molecular consequence: missense variant.
Genome position (GRCh38, 1-based): chr1:10,629,553, T>G. VCF-style: chr1-10629553-T-G. GRCh37 (hg19) VCF-style: chr1-10689610-T-G.
Other names: short protein forms S234A.
Identifiers: ClinVar variation 2076551 (VCV002076551.1), dbSNP rs1387061364, ClinGen allele CA338338122.

ClinVar aggregate classification (germline): Uncertain significance (1 of 4 stars; one submission).

Conditions:
Peroxisome biogenesis disorder, complementation group K (CGK). Identifiers: MedGen C1866257, MONDO:0800365.

Allele frequency attached by ClinVar (database versions not stated): TOPMed below 0.00001.

Submission:

Labcorp Genetics (formerly Invitae), Labcorp
Classification: Uncertain significance for Peroxisome biogenesis disorder, complementation group K. Last evaluated: 2022-03-14. Review status: criteria provided, single submitter. Criteria: Invitae Variant Classification Sherloc (09022015). Collection method: clinical testing. Allele origin: germline.
Comment: This sequence change replaces serine, which is neutral and polar, with alanine, which is neutral and non-polar, at codon 234 of the PEX14 protein (p.Ser234Ala). This variant is not present in population databases (gnomAD no frequency). This variant has not been reported in the literature in individuals affected with PEX14-related conditions. Algorithms developed to predict the effect of missense changes on protein structure and function (SIFT, PolyPhen-2, Align-GVGD) all suggest that this variant is likely to be tolerated. In summary, the available evidence is currently insufficient to determine the role of this variant in disease. Therefore, it has been classified as a Variant of Uncertain Significance.